The following is an entry in ClinVar:

ClinVar aggregate classification (germline): Likely benign. Review status: criteria provided, multiple submitters, no conflicts (2 of 4 stars). 4 submissions from 4 submitters: Likely benign (4). Last evaluated 2025-11-27.

Conditions:
RYR1-related disorder. Also called: RYR1-related condition; RYR1-related disorders. Identifiers: MedGen CN239331.
Malignant hyperthermia, susceptibility to, 1 (MHS1). Also called: RYR1-Related Malignant Hyperthermia Susceptibility; Anesthesia related hyperthermia; Malignant hyperpyrexia; Fulminating hyperpyrexia; Pharmacogenic myopathy; Malignant hyperthermia suceptibility 1. Identifiers: Orphanet 423, MedGen C2930980, MONDO:0007783, OMIM 145600.

Allele frequency attached by ClinVar (database versions not stated): TOPMed 0.00001.
gnomAD v4.1: 22 of 1,614,034 alleles (0.0014%); highest among the groups gnomAD compares: Admixed American, 0.0067%; no homozygotes.

Submissions (4):

Labcorp Genetics (formerly Invitae), Labcorp
Classification: Likely benign for RYR1-related disorder. Last evaluated: 2025-11-27. Review status: criteria provided, single submitter. Criteria: Invitae Variant Classification Sherloc (09022015). Collection method: clinical testing. Allele origin: germline.

All of Us Research Program, National Institutes of Health
Classification: Likely benign for Malignant hyperthermia, susceptibility to, 1. Last evaluated: 2024-06-17. Review status: criteria provided, single submitter. Criteria: ACMG Guidelines, 2015. Collection method: clinical testing. Allele origin: germline. Inheritance: Autosomal dominant inheritance. Observed: 4 variant alleles, 4 heterozygotes.
Comment: This study involves interpretation of variants in research participants for the purpose of population health screening. Participant phenotype was not available at the time of variant classification. Additional details can be found in publication PMID: 35346344, PMCID: PMC8962531

Color Diagnostics, LLC DBA Color Health
Classification: Likely benign for Malignant hyperthermia, susceptibility to, 1. Last evaluated: 2022-11-06. Review status: criteria provided, single submitter. Criteria: ACMG Guidelines, 2015. Collection method: clinical testing. Allele origin: germline.

PreventionGenetics, part of Exact Sciences
Classification: Likely benign. Review status: criteria provided, single submitter. Criteria: ACMG Guidelines, 2015. Collection method: clinical testing. Allele origin: germline.

NM_000540.3(RYR1):c.13518C>T (p.Ala4506=)

Gene: RYR1 (ryanodine receptor 1; plus strand). Cytogenetic location: 19q13.2.
Variant type: single nucleotide variant.
Coding change: c.13518C>T on transcript NM_000540.3 (MANE Select); coding-DNA position 13518, C replaced by T.
Protein change: p.Ala4506=; no amino-acid change (alanine 4506 retained).
Molecular consequence: synonymous variant.
Genome position (GRCh38, 1-based): chr19:38,567,776, C>T. VCF-style: chr19-38567776-C-T. GRCh37 (hg19) VCF-style: chr19-39058416-C-T.
Other names: c.13503C>T, p.Ala4501= (NM_001042723.2).
Identifiers: ClinVar variation 256429 (VCV000256429.14), dbSNP rs749640716, ClinGen allele CA060111.